The following is an entry in ClinVar:

NM_017636.4(TRPM4):c.1809G>T (p.Glu603Asp)

Gene: TRPM4 (transient receptor potential cation channel subfamily M member 4; plus strand). Cytogenetic location: 19q13.33.
Variant type: single nucleotide variant.
Coding change: c.1809G>T on transcript NM_017636.4 (MANE Select); coding-DNA position 1809, G replaced by T.
Protein change: p.Glu603Asp; replaces glutamic acid 603 with aspartic acid.
Molecular consequence: missense variant.
Genome position (GRCh38, 1-based): chr19:49,188,706, G>T. VCF-style: chr19-49188706-G-T. GRCh37 (hg19) VCF-style: chr19-49691963-G-T.
Other names: c.1809G>T, p.Glu603Asp (NM_001195227.2); c.1464G>T, p.Glu488Asp (NM_001321281.2); c.201G>T, p.Glu67Asp (NM_001321282.2); c.1287G>T, p.Glu429Asp (NM_001321283.2); c.747G>T, p.Glu249Asp (NM_001321285.2); short protein forms E603D, E249D, E429D, E488D, E67D.
Identifiers: ClinVar variation 1780530 (VCV001780530.2), dbSNP rs1968289791, ClinGen allele CA406802978.

ClinVar aggregate classification (germline): Uncertain significance (1 of 4 stars; one submission).

Conditions:
Cardiovascular phenotype. Identifiers: MedGen CN230736.

Submission:

Ambry Genetics
Classification: Uncertain significance for Cardiovascular phenotype. Last evaluated: 2018-12-06. Review status: criteria provided, single submitter. Criteria: Ambry Variant Classification Scheme 2023. Collection method: clinical testing. Allele origin: germline.
Comment: The p.E603D variant (also known as c.1809G>T), located in coding exon 13 of the TRPM4 gene, results from a G to T substitution at nucleotide position 1809. The glutamic acid at codon 603 is replaced by aspartic acid, an amino acid with highly similar properties. This amino acid position is highly conserved in available vertebrate species; however, aspartic acid is the reference amino acid in other vertebrate species. In addition, this alteration is predicted to be tolerated by in silico analysis. Since supporting evidence is limited at this time, the clinical significance of this alteration remains unclear.